The following is an entry in ClinVar:

ClinVar aggregate classification (germline): Conflicting classifications of pathogenicity. Review status: criteria provided, conflicting classifications (1 of 4 stars). 2 submissions from 2 submitters: Uncertain significance (1); Likely benign (1). Last evaluated 2025-10-18.

Conditions:
Achondrogenesis, type IA (ACG1A). Identifiers: Orphanet 932, Orphanet 93299, MedGen C0265273, MONDO:0008701, OMIM 200600.
Inborn genetic diseases. Identifiers: MedGen C0950123, MeSH D030342.

gnomAD v4.1: 8 of 1,613,070 alleles (0.0005%); highest among the groups gnomAD compares: African/African-American, 0.0053%; no homozygotes.

Submissions (2):

Ambry Genetics
Classification: Likely benign for Inborn genetic diseases. Last evaluated: 2025-10-18. Review status: criteria provided, single submitter. Criteria: Ambry Variant Classification Scheme 2023. Collection method: clinical testing. Allele origin: germline.

Labcorp Genetics (formerly Invitae), Labcorp
Classification: Uncertain significance for Achondrogenesis, type IA. Last evaluated: 2025-04-26. Review status: criteria provided, single submitter. Criteria: Invitae Variant Classification Sherloc (09022015). Collection method: clinical testing. Allele origin: germline.
Comment: This sequence change replaces isoleucine, which is neutral and non-polar, with valine, which is neutral and non-polar, at codon 63 of the TRIP11 protein (p.Ile63Val). This variant is present in population databases (rs766430885, gnomAD 0.007%). This variant has not been reported in the literature in individuals affected with TRIP11-related conditions. Invitae Evidence Modeling of protein sequence and biophysical properties (such as structural, functional, and spatial information, amino acid conservation, physicochemical variation, residue mobility, and thermodynamic stability) indicates that this missense variant is not expected to disrupt TRIP11 protein function with a negative predictive value of 80%. In summary, the available evidence is currently insufficient to determine the role of this variant in disease. Therefore, it has been classified as a Variant of Uncertain Significance.

NM_004239.4(TRIP11):c.187A>G (p.Ile63Val)

Gene: TRIP11 (thyroid hormone receptor interactor 11; minus strand). Cytogenetic location: 14q32.12.
Variant type: single nucleotide variant.
Coding change: c.187A>G on transcript NM_004239.4 (MANE Select); coding-DNA position 187, A replaced by G.
Protein change: p.Ile63Val; replaces isoleucine 63 with valine.
Molecular consequence: missense variant.
Genome position (GRCh38, 1-based): chr14:92,033,206, T>C on the plus strand (A>G on the coding strand, the complement: TRIP11 is on the minus strand). VCF-style: chr14-92033206-T-C. GRCh37 (hg19) VCF-style: chr14-92499550-T-C.
Other names: c.184A>G, p.Ile62Val (NM_001321851.1); short protein forms I62V, I63V.
Identifiers: ClinVar variation 4633608 (VCV004633608.2).